The following is an entry in ClinVar:

NM_024675.4(PALB2):c.211+14A>G

Gene: PALB2 (partner and localizer of BRCA2; minus strand). Cytogenetic location: 16p12.2.
Variant type: single nucleotide variant.
Coding change: c.211+14A>G on transcript NM_024675.4 (MANE Select); 14 bases into the intron after coding-DNA position 211, A replaced by G.
Molecular consequence: intron variant.
Genome position (GRCh38, 1-based): chr16:23,637,836, T>C on the plus strand (A>G on the coding strand, the complement: PALB2 is on the minus strand). VCF-style: chr16-23637836-T-C. GRCh37 (hg19) VCF-style: chr16-23649157-T-C.
Identifiers: ClinVar variation 378316 (VCV000378316.9), dbSNP rs1057520341, ClinGen allele CA16607222.

ClinVar aggregate classification (germline): Likely benign. Review status: criteria provided, multiple submitters, no conflicts (2 of 4 stars). 2 submissions from 2 submitters: Likely benign (2). Last evaluated 2025-12-23.

Conditions:
Familial cancer of breast. Also called: BREAST CANCER, FAMILIAL; hereditary breast carcinoma; Hereditary breast cancer. Identifiers: Orphanet 227535, MedGen C0346153, MONDO:0016419, OMIM 114480. Disease mechanism: loss of function.

Allele frequency attached by ClinVar (database versions not stated): gnomAD exomes below 0.00001; TOPMed below 0.00001; gnomAD 0.00001.
gnomAD v4.1: 3 of 1,584,522 alleles (0.00019%); highest among the groups gnomAD compares: Non-Finnish European, 0.00026%; no homozygotes.

Submissions (2):

Labcorp Genetics (formerly Invitae), Labcorp
Classification: Likely benign for Familial cancer of breast. Last evaluated: 2025-12-23. Review status: criteria provided, single submitter. Criteria: Invitae Variant Classification Sherloc (09022015). Collection method: clinical testing. Allele origin: germline.

GeneDx
Classification: Likely benign. Last evaluated: 2015-10-12. Review status: criteria provided, single submitter. Criteria: GeneDx Variant Classification (06012015). Collection method: clinical testing. Allele origin: germline. Affected: yes.
Comment: This variant is considered likely benign or benign based on one or more of the following criteria: it is a conservative change, it occurs at a poorly conserved position in the protein, it is predicted to be benign by multiple in silico algorithms, and/or has population frequency not consistent with disease.